The following is an entry in ClinVar:

ClinVar aggregate classification (germline): Uncertain significance. Review status: criteria provided, multiple submitters, no conflicts (2 of 4 stars). 2 submissions from 2 submitters: Uncertain significance (2). Last evaluated 2026-01-30.

Conditions:
Inborn genetic diseases. Identifiers: MedGen C0950123, MeSH D030342.
Monocytopenia with susceptibility to infections. Also called: GATA2 DEFICIENCY; MONOCYTOPENIA AND MYCOBACTERIAL INFECTION SYNDROME; MONOCYTOPENIA WITH SUSCEPTIBILITY TO MYCOBACTERIAL, FUNGAL, AND PAPILLOMAVIRUS INFECTIONS AND MYELODYSPLASIA; COMBINED IMMUNODEFICIENCY WITH SUSCEPTIBILITY TO MYCOBACTERIAL, VIRAL, AND FUNGAL INFECTIONS; Dendritic cell, monocyte, B lymphocyte, and natural killer lymphocyte deficiency; IMMUNODEFICIENCY 21. Identifiers: Orphanet 228423, MedGen C3280030, MONDO:0013607, OMIM 614172.
Deafness-lymphedema-leukemia syndrome. Also called: Lymphedema, primary, with myelodysplasia; Emberger syndrome. Identifiers: Orphanet 3226, MedGen C3279664, MONDO:0013540, OMIM 614038.

Allele frequency attached by ClinVar (database versions not stated): TOPMed below 0.00001.
gnomAD v4.1: 3 of 1,590,758 alleles (0.00019%); highest among the groups gnomAD compares: South Asian, 0.0011%; no homozygotes.

Submissions (2):

Ambry Genetics
Classification: Uncertain significance for Inborn genetic diseases. Last evaluated: 2026-01-30. Review status: criteria provided, single submitter. Criteria: Ambry Variant Classification Scheme 2023. Collection method: clinical testing. Allele origin: germline.
Comment: The p.G100R variant (also known as c.298G>A), located in coding exon 2 of the GATA2 gene, results from a G to A substitution at nucleotide position 298. The glycine at codon 100 is replaced by arginine, an amino acid with dissimilar properties. This amino acid position is well conserved in available vertebrate species. In addition, the in silico prediction for this alteration is inconclusive. Based on the available evidence, the clinical significance of this variant remains unclear.

Labcorp Genetics (formerly Invitae), Labcorp
Classification: Uncertain significance for Monocytopenia with susceptibility to infections; Deafness-lymphedema-leukemia syndrome. Last evaluated: 2023-09-11. Review status: criteria provided, single submitter. Criteria: Invitae Variant Classification Sherloc (09022015). Collection method: clinical testing. Allele origin: germline.
Comment: This sequence change replaces glycine, which is neutral and non-polar, with arginine, which is basic and polar, at codon 100 of the GATA2 protein (p.Gly100Arg). In summary, the available evidence is currently insufficient to determine the role of this variant in disease. Therefore, it has been classified as a Variant of Uncertain Significance. Advanced modeling of protein sequence and biophysical properties (such as structural, functional, and spatial information, amino acid conservation, physicochemical variation, residue mobility, and thermodynamic stability) has been performed at Invitae for this missense variant, however the output from this modeling did not meet the statistical confidence thresholds required to predict the impact of this variant on GATA2 protein function. This variant has not been reported in the literature in individuals affected with GATA2-related conditions. This variant is not present in population databases (gnomAD no frequency).

NM_032638.5(GATA2):c.298G>A (p.Gly100Arg)

Gene: GATA2 (GATA binding protein 2; minus strand). Cytogenetic location: 3q21.3.
Variant type: single nucleotide variant.
Coding change: c.298G>A on transcript NM_032638.5 (MANE Select); coding-DNA position 298, G replaced by A.
Protein change: p.Gly100Arg; replaces glycine 100 with arginine.
Molecular consequence: missense variant.
Genome position (GRCh38, 1-based): chr3:128,486,300, C>T on the plus strand (G>A on the coding strand, the complement: GATA2 is on the minus strand). VCF-style: chr3-128486300-C-T. GRCh37 (hg19) VCF-style: chr3-128205143-C-T.
Other names: c.298G>A, p.Gly100Arg (NM_001145661.2, NM_001145662.1); short protein forms G100R.
Identifiers: ClinVar variation 2930036 (VCV002930036.4), dbSNP rs1417506136, ClinGen allele CA354407508.